The following is an entry in ClinVar:

NM_000431.4(MVK):c.975C>T (p.Arg325=)

Gene: MVK (mevalonate kinase; plus strand). Cytogenetic location: 12q24.11.
Variant type: single nucleotide variant.
Coding change: c.975C>T on transcript NM_000431.4 (MANE Select); coding-DNA position 975, C replaced by T.
Protein change: p.Arg325=; no amino-acid change (arginine 325 retained).
Molecular consequence: synonymous variant.
Genome position (GRCh38, 1-based): chr12:109,595,117, C>T. VCF-style: chr12-109595117-C-T. GRCh37 (hg19) VCF-style: chr12-110032922-C-T.
Other names: c.975C>T, p.Arg325= (NM_001114185.3); c.819C>T, p.Arg273= (NM_001301182.2).
Identifiers: ClinVar variation 536578 (VCV000536578.57), dbSNP rs748947620, ClinGen allele CA6779426.

ClinVar aggregate classification (germline): Conflicting classifications of pathogenicity. Review status: criteria provided, conflicting classifications (1 of 4 stars). 6 submissions from 6 submitters: Uncertain significance (1); Likely benign (5). Last evaluated 2026-02-17.

Conditions:
Mevalonic aciduria (MEVA). Identifiers: Orphanet 29, MedGen C1959626, MONDO:0012481, OMIM 610377.
Hyperimmunoglobulin D with periodic fever (HIDS). Also called: Hyperimmunoglobulinemia D; HYPERIMMUNOGLOBULINEMIA D AND PERIODIC FEVER SYNDROME; Hyperimmunoglobulinemia D with periodic fever. Identifiers: Orphanet 343, MedGen C0398691, MONDO:0009849, OMIM 260920.
Porokeratosis 3, disseminated superficial actinic type (POROK3). Also called: POROKERATOSIS, DISSEMINATED SUPERFICIAL ACTINIC, 1; POROKERATOSIS 3, MULTIPLE TYPES; POROKERATOSIS 3, MIBELLI TYPE. Identifiers: MedGen C1867981, MONDO:0008293, OMIM 175900.
Autoinflammatory syndrome. Identifiers: Orphanet 93665, MedGen C3890737, MONDO:0019751.

Allele frequency attached by ClinVar (database versions not stated): gnomAD exomes 0.00007 and 0.00009; ExAC 0.00009; TOPMed 0.00009; gnomAD 0.00011.
gnomAD v4.1: 151 of 1,614,054 alleles (0.0094%); highest among the groups gnomAD compares: Non-Finnish European, 0.012%; no homozygotes.

Submissions (6):

Women's Health and Genetics/Laboratory Corporation of America, LabCorp
Classification: Likely benign. Last evaluated: 2026-02-17. Review status: criteria provided, single submitter. Criteria: LabCorp Variant Classification Summary - May 2015. Collection method: clinical testing. Allele origin: germline.

Labcorp Genetics (formerly Invitae), Labcorp
Classification: Likely benign for Mevalonic aciduria; Hyperimmunoglobulin D with periodic fever; Porokeratosis 3, disseminated superficial actinic type. Last evaluated: 2025-08-03. Review status: criteria provided, single submitter. Criteria: Invitae Variant Classification Sherloc (09022015). Collection method: clinical testing. Allele origin: germline.

CeGaT Center for Human Genetics Tuebingen
Classification: Likely benign. Last evaluated: 2025-07-01. Review status: criteria provided, single submitter. Criteria: CeGaT Center For Human Genetics Tuebingen Variant Classification Criteria Version 2. Collection method: clinical testing. Allele origin: germline. Affected: yes. Observed: 2 variant alleles.
Comment: MVK: BP4, BP7

Blueprint Genetics
Classification: Likely benign. Last evaluated: 2024-08-22. Review status: criteria provided, single submitter. Criteria: ACMG Guidelines, 2015. Collection method: clinical testing. Allele origin: germline.

GeneDx
Classification: Likely benign. Last evaluated: 2018-10-18. Review status: criteria provided, single submitter. Criteria: GeneDx Variant Classification Process June 2021. Collection method: clinical testing. Allele origin: germline. Affected: yes.

Genome Diagnostics Laboratory, The Hospital for Sick Children
Classification: Uncertain significance for Autoinflammatory syndrome. Last evaluated: 2016-12-12. Review status: criteria provided, single submitter. Criteria: ACMG Guidelines, 2015. Collection method: clinical testing. Allele origin: germline. Affected: yes.